The following is an entry in ClinVar:

NM_144773.4(PROKR2):c.585G>C (p.Thr195=)

Gene: PROKR2 (prokineticin receptor 2; minus strand). Cytogenetic location: 20p12.3.
Variant type: single nucleotide variant.
Coding change: c.585G>C on transcript NM_144773.4 (MANE Select); coding-DNA position 585, G replaced by C.
Protein change: p.Thr195=; no amino-acid change (threonine 195 retained).
Molecular consequence: synonymous variant.
Genome position (GRCh38, 1-based): chr20:5,302,610, C>G on the plus strand (G>C on the coding strand, the complement: PROKR2 is on the minus strand). VCF-style: chr20-5302610-C-G. GRCh37 (hg19) VCF-style: chr20-5283256-C-G.
Identifiers: ClinVar variation 338858 (VCV000338858.27), dbSNP rs3746682, ClinGen allele CA9754313.

ClinVar aggregate classification (germline): Benign. Review status: criteria provided, multiple submitters, no conflicts (2 of 4 stars). 11 submissions from 11 submitters: Benign (8). 3 of the submissions do not count toward it. Last evaluated 2026-05-08.

Conditions:
Hypogonadotropic hypogonadism 3 with or without anosmia (HH3). Also called: PROKR2-Related GnRH Deficiency (Kallmann Syndrome 3); HYPOGONADOTROPIC HYPOGONADISM 3 WITH ANOSMIA. Identifiers: Orphanet 478, MedGen C3550478, MONDO:0009482, OMIM 244200.

Allele frequency attached by ClinVar (database versions not stated): 1000 Genomes Project 0.72324; 1000 Genomes Project 30x 0.72330; TOPMed 0.73015; gnomAD 0.73326 and 0.73486; ESP Exome Variant Server 0.73505; ExAC 0.74352; gnomAD exomes 0.74622 and 0.75014.
gnomAD v4.1: 1,208,121 of 1,613,922 alleles (75%); highest among the groups gnomAD compares: Middle Eastern, 80%; 453,028 homozygotes.

Submissions (11):

Women's Health and Genetics/Laboratory Corporation of America, LabCorp
Classification: Benign. Last evaluated: 2026-05-08. Review status: criteria provided, single submitter. Criteria: LabCorp Variant Classification Summary - May 2015. Collection method: clinical testing. Allele origin: germline.

Labcorp Genetics (formerly Invitae), Labcorp
Classification: Benign. Last evaluated: 2026-02-04. Review status: criteria provided, single submitter. Criteria: Invitae Variant Classification Sherloc (09022015). Collection method: clinical testing. Allele origin: germline.

Blueprint Genetics
Classification: Benign. Last evaluated: 2024-11-28. Review status: criteria provided, single submitter. Criteria: ACMG Guidelines, 2015. Collection method: clinical testing. Allele origin: germline.

Genome-Nilou Lab
Classification: Benign for Hypogonadotropic hypogonadism 3 with or without anosmia. Last evaluated: 2021-10-25. Review status: criteria provided, single submitter. Criteria: ACMG Guidelines, 2015. Collection method: clinical testing. Allele origin: germline. Affected: no.

Illumina Laboratory Services, Illumina
Classification: Benign for Hypogonadotropic hypogonadism 3 with or without anosmia. Last evaluated: 2018-01-12. Review status: criteria provided, single submitter. Criteria: ICSL Variant Classification Criteria 13 December 2019. Collection method: clinical testing. Allele origin: germline.
Comment: This variant was observed in the ICSL laboratory as part of a predisposition screen in an ostensibly healthy population. It had not been previously curated by ICSL or reported in the Human Gene Mutation Database (HGMD: prior to June 1st, 2018), and was therefore a candidate for classification through an automated scoring system. Utilizing variant allele frequency, disease prevalence and penetrance estimates, and inheritance mode, an automated score was calculated to assess if this variant is too frequent to cause the disease. Based on the score and internal cut-off values, a variant classified as benign is not then subjected to further curation. The score for this variant resulted in a classification of benign for this disease.

Athena Diagnostics
Classification: Benign for Hypogonadotropic hypogonadism 3 with or without anosmia. Last evaluated: 2017-06-27. Review status: criteria provided, single submitter. Criteria: Athena Diagnostics Criteria. Collection method: clinical testing. Allele origin: germline.

GeneDx
Classification: Benign. Last evaluated: 2015-03-03. Review status: criteria provided, single submitter. Criteria: GeneDx Variant Classification Process June 2021. Collection method: clinical testing. Allele origin: germline. Affected: yes.

Breakthrough Genomics
Classification: Benign. Review status: criteria provided, single submitter. Criteria: ACMG Guidelines, 2015. Collection method: not provided. Allele origin: germline. Inheritance: Autosomal dominant inheritance. Affected: yes.

Clinical Genetics, Academic Medical Center
Classification: Benign. Review status: no assertion criteria provided. Collection method: clinical testing. Allele origin: germline. Affected: yes. Study: VKGL Data-share Consensus. Not counted in ClinVar's aggregate classification.

Diagnostic Laboratory, Department of Genetics, University Medical Center Groningen
Classification: Benign. Review status: no assertion criteria provided. Collection method: clinical testing. Allele origin: germline. Affected: yes. Study: VKGL Data-share Consensus. Not counted in ClinVar's aggregate classification.

Joint Genome Diagnostic Labs from Nijmegen and Maastricht, Radboudumc and MUMC+
Classification: Benign. Review status: no assertion criteria provided. Collection method: clinical testing. Allele origin: germline. Affected: yes. Study: VKGL Data-share Consensus. Not counted in ClinVar's aggregate classification.